The following is an entry in ClinVar:

NM_001267550.2(TTN):c.47693G>A (p.Arg15898Gln)

Genes: TTN (titin; minus strand), TTN-AS1 (TTN antisense RNA 1; plus strand). Cytogenetic location: 2q31.2.
Variant type: single nucleotide variant.
Coding change: c.47693G>A on transcript NM_001267550.2 (MANE Select); coding-DNA position 47693, G replaced by A.
Protein change: p.Arg15898Gln; replaces arginine 15898 with glutamine.
Molecular consequence: missense variant.
Genome position (GRCh38, 1-based): chr2:178,617,392, C>T on the plus strand (G>A on the coding strand, the complement: TTN is on the minus strand). VCF-style: chr2-178617392-C-T. GRCh37 (hg19) VCF-style: chr2-179482119-C-T.
Other names: c.42770G>A, p.Arg14257Gln (NM_001256850.1); c.20498G>A, p.Arg6833Gln (NM_003319.4); c.39989G>A, p.Arg13330Gln (NM_133378.4); c.20873G>A, p.Arg6958Gln (NM_133432.3); c.21074G>A, p.Arg7025Gln (NM_133437.4); short protein forms R13330Q, R15898Q, R6958Q, R7025Q, R6833Q, R14257Q.
Identifiers: ClinVar variation 290711 (VCV000290711.17), dbSNP rs376278449, ClinGen allele CA1995005.

ClinVar aggregate classification (germline): Conflicting classifications of pathogenicity. Review status: criteria provided, conflicting classifications (1 of 4 stars). 7 submissions from 7 submitters: Uncertain significance (6); Likely benign (1). Last evaluated 2026-02-13.

Conditions:
TTN-related disorder. Also called: TTN-related condition; TTN-related disease; TTN-related disorders.
Early-onset myopathy with fatal cardiomyopathy (CMYO5). Also called: Salih Myopathy; CONGENITAL MYOPATHY 5 WITH CARDIOMYOPATHY. Identifiers: Orphanet 289377, MedGen C2673677, MONDO:0012714, OMIM 611705. Disease mechanism: loss of function.
Dilated cardiomyopathy 1G (CMD1G). Identifiers: Orphanet 154, MedGen C1858763, MONDO:0011400, OMIM 604145.
Tibial muscular dystrophy (TMD). Also called: UDD MYOPATHY; Tibial muscular dystrophy, tardive; Udd Distal Myopathy – Tibial Muscular Dystrophy. Identifiers: Orphanet 609, MedGen C1838244, MONDO:0010870, OMIM 600334.
Autosomal recessive limb-girdle muscular dystrophy type 2J (LGMDR10). Also called: Limb-girdle muscular dystrophy, type 2J; MUSCULAR DYSTROPHY, LIMB-GIRDLE, AUTOSOMAL RECESSIVE 10. Identifiers: Orphanet 140922, MedGen C1837342, MONDO:0012127, OMIM 608807.
Hypertrophic cardiomyopathy 9. Also called: Familial hypertrophic cardiomyopathy 9. Identifiers: MedGen C1861065, MONDO:0013412, OMIM 613765.
Myopathy, myofibrillar, 9, with early respiratory failure (MFM9). Also called: Hereditary myopathy with early respiratory failure; MYOPATHY, PROXIMAL, WITH EARLY RESPIRATORY MUSCLE INVOLVEMENT; EDSTROM MYOPATHY; Myopathy, distal, with early respiratory failure, autosomal dominant. Identifiers: Orphanet 178464, Orphanet 34521, MedGen C1863599, MONDO:0011362, OMIM 603689.
Cardiomyopathy (CMYO). Also called: Cardiomyopathies. Identifiers: Orphanet 167848, MedGen C0878544, MONDO:0004994, HP:0001638. Inheritance: Various modes of inheritance.
Cardiovascular phenotype. Identifiers: MedGen CN230736.

Allele frequency attached by ClinVar (database versions not stated): gnomAD 0.00007; TOPMed 0.00007; ESP Exome Variant Server 0.00008.
gnomAD v4.1: 117 of 1,589,226 alleles (0.0074%); highest among the groups gnomAD compares: Middle Eastern, 0.033%; no homozygotes.

Submissions (7):

PreventionGenetics, part of Exact Sciences
Classification: Uncertain significance for TTN-related condition. Last evaluated: 2026-02-13. Review status: criteria provided, single submitter. Criteria: ACMG Guidelines, 2015. Collection method: clinical testing. Allele origin: germline.
Comment: The TTN c.47693G>A variant is predicted to result in the amino acid substitution p.Arg15898Gln. To our knowledge, this variant has not been reported in the literature. This variant is reported in 0.020% of alleles in individuals of Latino descent in gnomAD. At this time, the clinical significance of this variant is uncertain due to the absence of conclusive functional and genetic evidence.

CHEO Genetics Diagnostic Laboratory, Children's Hospital of Eastern Ontario
Classification: Likely benign for Cardiomyopathy. Last evaluated: 2022-02-11. Review status: criteria provided, single submitter. Criteria: ACMG Guidelines, 2015. Collection method: clinical testing. Allele origin: germline.

Ambry Genetics
Classification: Uncertain significance for Cardiovascular phenotype. Last evaluated: 2020-01-28. Review status: criteria provided, single submitter. Criteria: Ambry Variant Classification Scheme 2023. Collection method: clinical testing. Allele origin: germline.
Comment: The p.R6833Q variant (also known as c.20498G>A), located in coding exon 81 of the TTN gene, results from a G to A substitution at nucleotide position 20498. The arginine at codon 6833 is replaced by glutamine, an amino acid with highly similar properties. This amino acid position is highly conserved in available vertebrate species. In addition, this alteration is predicted to be tolerated by in silico analysis. Since supporting evidence is limited at this time, the clinical significance of this alteration remains unclear.

Revvity Omics, Revvity
Classification: Uncertain significance. Last evaluated: 2019-03-29. Review status: criteria provided, single submitter. Criteria: ACMG Guidelines, 2015. Collection method: clinical testing. Allele origin: germline.

Fulgent Genetics
Classification: Uncertain significance for Tibial muscular dystrophy; Myopathy, myofibrillar, 9, with early respiratory failure; Dilated cardiomyopathy 1G; Autosomal recessive limb-girdle muscular dystrophy type 2J; Early-onset myopathy with fatal cardiomyopathy; Hypertrophic cardiomyopathy 9. Last evaluated: 2018-10-31. Review status: criteria provided, single submitter. Criteria: ACMG Guidelines, 2015. Collection method: clinical testing. Allele origin: unknown.

Labcorp Genetics (formerly Invitae), Labcorp
Classification: Uncertain significance for Dilated cardiomyopathy 1G; Autosomal recessive limb-girdle muscular dystrophy type 2J. Last evaluated: 2017-11-11. Review status: criteria provided, single submitter. Criteria: Invitae Variant Classification Sherloc (09022015). Collection method: clinical testing. Allele origin: germline.

Eurofins Ntd Llc (ga)
Classification: Uncertain significance. Last evaluated: 2016-09-05. Review status: criteria provided, single submitter. Criteria: EGL Classification Definitions 2015. Collection method: clinical testing. Allele origin: germline. Observed: 1 variant allele, 1 heterozygote.